The following is an entry in ClinVar:

NM_139319.3(SLC17A8):c.224G>A (p.Arg75His)

Gene: SLC17A8 (solute carrier family 17 member 8; plus strand). Cytogenetic location: 12q23.1.
Variant type: single nucleotide variant.
Coding change: c.224G>A on transcript NM_139319.3 (MANE Select); coding-DNA position 224, G replaced by A.
Protein change: p.Arg75His; replaces arginine 75 with histidine.
Molecular consequence: missense variant.
Genome position (GRCh38, 1-based): chr12:100,380,823, G>A. VCF-style: chr12-100380823-G-A. GRCh37 (hg19) VCF-style: chr12-100774601-G-A.
Other names: c.224G>A, p.Arg75His (NM_001145288.2); short protein forms R75H.
Identifiers: ClinVar variation 1308868 (VCV001308868.2), dbSNP rs559227009, ClinGen allele CA6738703.
Genomic context (GRCh38, chr12:100,380,823, plus strand): 5'-TGCAGACGTCCAGGCCAAGCCCCCCACTCTGCGACTGCCACTGCTGCGGCCTCCCCAAGC[G>A]TTACATCATTGCTATCATGAGTGGGCTGGGATTCTGCATTTCCTTTGGGATCCGGTGCAA-3'
Protein context (NP_647480.1, residues 65-85): CDCHCCGLPK[Arg75His]YIIAIMSGLG

ClinVar aggregate classification (germline): Uncertain significance (1 of 4 stars; one submission).

Allele frequency attached by ClinVar (database versions not stated): gnomAD 0.00001; gnomAD exomes 0.00001; TOPMed 0.00001; ExAC 0.00002; 1000 Genomes Project 30x 0.00016; 1000 Genomes Project 0.00020.
gnomAD v4.1: 6 of 1,614,078 alleles (0.00037%); highest among the groups gnomAD compares: Admixed American, 0.0033%; no homozygotes.

Submission:

GeneDx
Classification: Uncertain significance. Last evaluated: 2019-10-02. Review status: criteria provided, single submitter. Criteria: GeneDx Variant Classification Process June 2021. Collection method: clinical testing. Allele origin: germline. Affected: yes.
Comment: In silico analysis, which includes protein predictors and evolutionary conservation, supports a deleterious effect; Has not been previously published as pathogenic or benign to our knowledge